The following is an entry in ClinVar:

NM_001042492.3(NF1):c.4361T>C (p.Leu1454Pro)

Gene: NF1 (neurofibromin 1; plus strand). Cytogenetic location: 17q11.2.
Variant type: single nucleotide variant.
Coding change: c.4361T>C on transcript NM_001042492.3 (MANE Select); coding-DNA position 4361, T replaced by C.
Protein change: p.Leu1454Pro; replaces leucine 1454 with proline.
Molecular consequence: missense variant.
Genome position (GRCh38, 1-based): chr17:31,259,060, T>C. VCF-style: chr17-31259060-T-C. GRCh37 (hg19) VCF-style: chr17-29586078-T-C.
Other names: c.4298T>C, p.Leu1433Pro (NM_000267.4); short protein forms L1433P, L1454P.
Identifiers: ClinVar variation 999339 (VCV000999339.5), dbSNP rs2067636896, ClinGen allele CA398998770.

ClinVar aggregate classification (germline): Uncertain significance (1 of 4 stars; one submission).

Conditions:
Neurofibromatosis, type 1 (NF1). Also called: Neurofibromatosis, type I; VON RECKLINGHAUSEN DISEASE; NEUROFIBROMATOSIS, TYPE I, SOMATIC; Peripheral type neurofibromatosis. Identifiers: Orphanet 636, MedGen C0027831, MONDO:0018975, OMIM 162200. Disease mechanism: loss of function.

Submission:

Labcorp Genetics (formerly Invitae), Labcorp
Classification: Uncertain significance for Neurofibromatosis, type 1. Last evaluated: 2023-08-05. Review status: criteria provided, single submitter. Criteria: Invitae Variant Classification Sherloc (09022015). Collection method: clinical testing. Allele origin: germline.
Comment: This variant has not been reported in the literature in individuals affected with NF1-related conditions. In summary, the available evidence is currently insufficient to determine the role of this variant in disease. Therefore, it has been classified as a Variant of Uncertain Significance. Advanced modeling of protein sequence and biophysical properties (such as structural, functional, and spatial information, amino acid conservation, physicochemical variation, residue mobility, and thermodynamic stability) performed at Invitae indicates that this missense variant is expected to disrupt NF1 protein function. ClinVar contains an entry for this variant (Variation ID: 999339). This variant is not present in population databases (gnomAD no frequency). This sequence change replaces leucine, which is neutral and non-polar, with proline, which is neutral and non-polar, at codon 1433 of the NF1 protein (p.Leu1433Pro).